The following is an entry in ClinVar:

NM_001105206.3(LAMA4):c.1077+4C>T

Gene: LAMA4 (laminin subunit alpha 4; minus strand). Cytogenetic location: 6q21.
Variant type: single nucleotide variant.
Coding change: c.1077+4C>T on transcript NM_001105206.3 (MANE Select); 4 bases into the intron after coding-DNA position 1077, C replaced by T.
Molecular consequence: intron variant.
Genome position (GRCh38, 1-based): chr6:112,185,233, G>A on the plus strand (C>T on the coding strand, the complement: LAMA4 is on the minus strand). VCF-style: chr6-112185233-G-A. GRCh37 (hg19) VCF-style: chr6-112506435-G-A.
Other names: c.1056+4C>T (NM_002290.5, NM_001105207.3).
Identifiers: ClinVar variation 541232 (VCV000541232.13), dbSNP rs1192025877, ClinGen allele CA658796809.
Genomic context (GRCh38, chr6:112,185,233, plus strand): 5'-GCCTCACATCAGCTAAATCCTTTCTTTGAAGGCTGTCCCAGAAACTGAATACATACATAC[G>A]TACCTTTTCAACTAATTCCTCTACGTCAGACAGAAGGCTTTTCATCGTGTTCTCAGCATT-3'

ClinVar aggregate classification (germline): Uncertain significance. Review status: criteria provided, multiple submitters, no conflicts (2 of 4 stars). 2 submissions from 2 submitters: Uncertain significance (2). Last evaluated 2025-07-30.

Conditions:
Cardiovascular phenotype. Identifiers: MedGen CN230736.
Dilated cardiomyopathy 1JJ (CMD1JJ). Identifiers: Orphanet 154, MedGen C3808935, MONDO:0014095, OMIM 615235.

Allele frequency attached by ClinVar (database versions not stated): gnomAD exomes below 0.00001; gnomAD 0.00002; TOPMed 0.00002.
gnomAD v4.1: 10 of 1,561,524 alleles (0.00064%); highest among the groups gnomAD compares: African/African-American, 0.0027%; no homozygotes.

Submissions (2):

Labcorp Genetics (formerly Invitae), Labcorp
Classification: Uncertain significance for Dilated cardiomyopathy 1JJ. Last evaluated: 2025-07-30. Review status: criteria provided, single submitter. Criteria: Invitae Variant Classification Sherloc (09022015). Collection method: clinical testing. Allele origin: germline.
Comment: This sequence change falls in intron 9 of the LAMA4 gene. It does not directly change the encoded amino acid sequence of the LAMA4 protein. It affects a nucleotide within the consensus splice site. This variant is not present in population databases (gnomAD no frequency). This variant has not been reported in the literature in individuals affected with LAMA4-related conditions. ClinVar contains an entry for this variant (Variation ID: 541232). Variants that disrupt the consensus splice site are a relatively common cause of aberrant splicing (PMID: 17576681, 9536098). Algorithms developed to predict the effect of sequence changes on RNA splicing suggest that this variant is not likely to affect RNA splicing. In summary, the available evidence is currently insufficient to determine the role of this variant in disease. Therefore, it has been classified as a Variant of Uncertain Significance.

Ambry Genetics
Classification: Uncertain significance for Cardiovascular phenotype. Last evaluated: 2025-07-22. Review status: criteria provided, single submitter. Criteria: Ambry Variant Classification Scheme 2023. Collection method: clinical testing. Allele origin: germline.
Comment: The c.1056+4C>T intronic variant results from a C to T substitution 4 nucleotides after coding exon 8 in the LAMA4 gene. This nucleotide position is not well conserved in available vertebrate species. In silico splice site analysis predicts that this alteration will not have any significant effect on splicing. The evidence for this gene-disease relationship is limited; therefore, the clinical significance of this alteration is unclear.

Literature cited by the submitters: PubMed 17576681 (cited by Labcorp Genetics (formerly Invitae), Labcorp); PubMed 9536098 (cited by Labcorp Genetics (formerly Invitae), Labcorp).